The following is an entry in ClinVar:

NM_001127208.3(TET2):c.2697T>G (p.Tyr899Ter)

Genes: TET2 (tet methylcytosine dioxygenase 2; plus strand), TET2-AS1 (TET2 antisense RNA 1; minus strand). Cytogenetic location: 4q24.
Variant type: single nucleotide variant.
Coding change: c.2697T>G on transcript NM_001127208.3 (MANE Select); coding-DNA position 2697, T replaced by G.
Protein change: p.Tyr899Ter; replaces tyrosine 899 with a stop codon.
Molecular consequence: nonsense.
Genome position (GRCh38, 1-based): chr4:105,236,639, T>G. VCF-style: chr4-105236639-T-G. GRCh37 (hg19) VCF-style: chr4-106157796-T-G.
Other names: c.2697T>G, p.Tyr899Ter (NM_017628.4); short protein forms Y899*.
Identifiers: ClinVar variation 1998748 (VCV001998748.4), dbSNP rs2110234873, ClinGen allele CA357800024.

ClinVar aggregate classification (germline): Pathogenic (1 of 4 stars; one submission).

Submission:

Labcorp Genetics (formerly Invitae), Labcorp
Classification: Pathogenic. Last evaluated: 2024-02-23. Review status: criteria provided, single submitter. Criteria: Invitae Variant Classification Sherloc (09022015). Collection method: clinical testing. Allele origin: germline.
Comment: This sequence change creates a premature translational stop signal (p.Tyr899*) in the TET2 gene. It is expected to result in an absent or disrupted protein product. Loss-of-function variants in TET2 are known to be pathogenic (PMID: 36066697). This variant is not present in population databases (gnomAD no frequency). This variant has not been reported in the literature in individuals affected with TET2-related conditions. ClinVar contains an entry for this variant (Variation ID: 1998748). For these reasons, this variant has been classified as Pathogenic.

Literature cited by the submitters: PubMed 36066697.